The following is an entry in ClinVar:

NM_001048174.2(MUTYH):c.1547T>G (p.Leu516Arg)

Gene: MUTYH (mutY DNA glycosylase; minus strand). Cytogenetic location: 1p34.1.
Variant type: single nucleotide variant.
Coding change: c.1547T>G on transcript NM_001048174.2 (MANE Select); coding-DNA position 1547, T replaced by G.
Protein change: p.Leu516Arg; replaces leucine 516 with arginine.
Molecular consequence: missense variant. On other transcripts: non-coding transcript variant (7).
Genome position (GRCh38, 1-based): chr1:45,329,325, A>C on the plus strand (T>G on the coding strand, the complement: MUTYH is on the minus strand). VCF-style: chr1-45329325-A-C. GRCh37 (hg19) VCF-style: chr1-45794997-A-C.
Other names: c.1547T>G, p.Leu516Arg (NM_001407070.1, NM_001407072.1, NM_001407073.1 and 6 more transcripts); c.1550T>G, p.Leu517Arg (NM_001407071.1, NM_001407078.1, NM_001048172.2 and 1 more transcripts); c.1463T>G, p.Leu488Arg (NM_001407075.1); c.1580T>G, p.Leu527Arg (NM_001407077.1, NM_001293191.2, NM_001407069.1); c.1508T>G, p.Leu503Arg (NM_001407079.1); c.1505T>G, p.Leu502Arg (NM_001407080.1); c.1631T>G, p.Leu544Arg (NM_001128425.2); c.1592T>G, p.Leu531Arg (NM_001293190.2); and 5 more; short protein forms L531R, L544R, L401R, L502R, L503R, L517R, L527R, L424R.
Identifiers: ClinVar variation 4113471 (VCV004113471.1).
Genomic context (GRCh38, chr1:45,329,325, plus strand): 5'-CTAACAACAGGATTCTCAGGGAATGGGGGCTTTCAGAGGTGTCACTGGGCTGCACTGTTG[A>C]GGCTGTGTGCATCAGTGGAGATGTGAGACCGAAAGAAATTATCCAGGACTTGCTGGCCCA-3'
Protein context (NP_001041639.1, residues 506-521): RSHISTDAHS[Leu516Arg]NSAAQ

ClinVar aggregate classification (germline): Uncertain significance (1 of 4 stars; one submission).

Conditions:
Hereditary cancer-predisposing syndrome. Also called: Hereditary neoplastic syndrome; Neoplastic Syndromes, Hereditary; Tumor predisposition; Hereditary Cancer Syndrome. Identifiers: Orphanet 140162, MedGen C0027672, MeSH D009386, MONDO:0015356.

Submission:

Ambry Genetics
Classification: Uncertain significance for Hereditary cancer-predisposing syndrome. Last evaluated: 2025-08-27. Review status: criteria provided, single submitter. Criteria: Ambry Variant Classification Scheme 2023. Collection method: clinical testing. Allele origin: germline.
Comment: The p.L544R variant (also known as c.1631T>G), located in coding exon 16 of the MUTYH gene, results from a T to G substitution at nucleotide position 1631. The leucine at codon 544 is replaced by arginine, an amino acid with dissimilar properties. This amino acid position is conserved. In addition, the in silico prediction for this alteration is inconclusive. Based on the available evidence, the clinical significance of this variant remains unclear.